The following is an entry in ClinVar:

NC_000005.9:g.(?_112115546)_(112179823_?)del

Gene: APC (APC regulator of Wnt signaling pathway; plus strand). Cytogenetic location: 5q22.2.
Variant type: Deletion.
Identifiers: ClinVar variation 2422182 (VCV002422182.3).

ClinVar aggregate classification (germline): Pathogenic (1 of 4 stars; one submission).

Conditions:
Familial adenomatous polyposis 1 (FAP1). Also called: FAMILIAL ADENOMATOUS POLYPOSIS 1, ATTENUATED; POLYPOSIS, ADENOMATOUS INTESTINAL. Identifiers: MedGen C2713442, MONDO:0021056, OMIM 175100. Disease mechanism: loss of function.

Submission:

Labcorp Genetics (formerly Invitae), Labcorp
Classification: Pathogenic for Familial adenomatous polyposis 1. Last evaluated: 2021-08-12. Review status: criteria provided, single submitter. Criteria: Invitae Variant Classification Sherloc (09022015). Collection method: clinical testing. Allele origin: germline.
Comment: This variant is a gross deletion of the genomic region encompassing exon(s) 6-16 of the APC gene, which includes the termination codon. This deletion extends beyond the assayed region for this gene and therefore may encompass additional genes. While this deletion is not anticipated to lead to nonsense mediated decay, it is expected to alter mRNA translation or result in a truncated protein product. A similar copy number variant has been observed in individual(s) with familial adenomatous polyposis (PMID: 20223039). This variant is also known as a deletion of exons 5-15. This variant disrupts a region of the APC protein in which other variant(s) (p.Tyr2645Lysfs*14) have been determined to be pathogenic (PMID: 1316610, 8381579, 9824584, 22135120, 27081525; Invitae). This suggests that this is a clinically significant region of the protein, and that variants that disrupt it are likely to be disease-causing. For these reasons, this variant has been classified as Pathogenic.

Literature cited by the submitters: PubMed 20223039; PubMed 1316610; PubMed 8381579; PubMed 9824584; PubMed 22135120; PubMed 27081525.